The following is an entry in ClinVar:

NM_018489.3(ASH1L):c.4375C>T (p.Pro1459Ser)

Gene: ASH1L (ASH1 like histone lysine methyltransferase; minus strand). Cytogenetic location: 1q22.
Variant type: single nucleotide variant.
Coding change: c.4375C>T on transcript NM_018489.3 (MANE Select); coding-DNA position 4375, C replaced by T.
Protein change: p.Pro1459Ser; replaces proline 1459 with serine.
Molecular consequence: missense variant.
Genome position (GRCh38, 1-based): chr1:155,478,495, G>A on the plus strand (C>T on the coding strand, the complement: ASH1L is on the minus strand). VCF-style: chr1-155478495-G-A. GRCh37 (hg19) VCF-style: chr1-155448286-G-A.
Other names: c.4375C>T, p.Pro1459Ser (NM_001366177.2); short protein forms P1459S.
Identifiers: ClinVar variation 1317140 (VCV001317140.2), dbSNP rs2148720434, ClinGen allele CA342702537.

ClinVar aggregate classification (germline): Uncertain significance (1 of 4 stars; one submission).

gnomAD v4.1: 1 of 1,614,134 alleles (0.000062%); highest among the groups gnomAD compares: Non-Finnish European, 0.000085%; no homozygotes.

Submission:

GeneDx
Classification: Uncertain significance. Last evaluated: 2021-04-02. Review status: criteria provided, single submitter. Criteria: GeneDx Variant Classification Process June 2021. Collection method: clinical testing. Allele origin: germline. Affected: yes.
Comment: Not observed in large population cohorts (Lek et al., 2016); In silico analysis supports that this missense variant does not alter protein structure/function; Has not been previously published as pathogenic or benign to our knowledge